The following is an entry in ClinVar:

NM_032737.4(LMNB2):c.1252A>C (p.Thr418Pro)

Gene: LMNB2 (lamin B2; minus strand). Cytogenetic location: 19p13.3.
Variant type: single nucleotide variant.
Coding change: c.1252A>C on transcript NM_032737.4 (MANE Select); coding-DNA position 1252, A replaced by C.
Protein change: p.Thr418Pro; replaces threonine 418 with proline.
Molecular consequence: missense variant.
Genome position (GRCh38, 1-based): chr19:2,434,056, T>G on the plus strand (A>C on the coding strand, the complement: LMNB2 is on the minus strand). VCF-style: chr19-2434056-T-G. GRCh37 (hg19) VCF-style: chr19-2434054-T-G.
Other names: short protein forms T418P.
Identifiers: ClinVar variation 2153842 (VCV002153842.4), dbSNP rs2512234885, ClinGen allele CA403252187.

ClinVar aggregate classification (germline): Uncertain significance (1 of 4 stars; one submission).

Conditions:
Progressive myoclonic epilepsy type 9. Identifiers: Orphanet 457265, MedGen C4225289, MONDO:0014685, OMIM 616540.
Lipodystrophy, partial, acquired, susceptibility to (APLD). Also called: APLD, SUSCEPTIBILITY TO. Identifiers: MedGen C3887501, MONDO:0100476, OMIM 608709.

Allele frequency attached by ClinVar (database versions not stated): gnomAD exomes below 0.00001.
gnomAD v4.1: 2 of 1,600,064 alleles (0.00012%); highest among the groups gnomAD compares: Non-Finnish European, 0.00017%; no homozygotes.

Submission:

Labcorp Genetics (formerly Invitae), Labcorp
Classification: Uncertain significance for Progressive myoclonic epilepsy type 9; Lipodystrophy, partial, acquired, susceptibility to. Last evaluated: 2024-10-22. Review status: criteria provided, single submitter. Criteria: Invitae Variant Classification Sherloc (09022015). Collection method: clinical testing. Allele origin: germline.
Comment: This sequence change replaces threonine, which is neutral and polar, with proline, which is neutral and non-polar, at codon 418 of the LMNB2 protein (p.Thr418Pro). This variant is not present in population databases (gnomAD no frequency). This variant has not been reported in the literature in individuals affected with LMNB2-related conditions. ClinVar contains an entry for this variant (Variation ID: 2153842). Invitae Evidence Modeling of protein sequence and biophysical properties (such as structural, functional, and spatial information, amino acid conservation, physicochemical variation, residue mobility, and thermodynamic stability) indicates that this missense variant is not expected to disrupt LMNB2 protein function with a negative predictive value of 80%. In summary, the available evidence is currently insufficient to determine the role of this variant in disease. Therefore, it has been classified as a Variant of Uncertain Significance.